The following is an entry in ClinVar:

ClinVar aggregate classification (germline): Uncertain significance (1 of 4 stars; one submission).

Conditions:
Spastic ataxia 2. Also called: Ataxia, spastic, 2, autosomal recessive. Identifiers: Orphanet 397946, MedGen C1969796, MONDO:0012651, OMIM 611302.

Submission:

Labcorp Genetics (formerly Invitae), Labcorp
Classification: Uncertain significance for Spastic ataxia 2. Last evaluated: 2025-09-03. Review status: criteria provided, single submitter. Criteria: Invitae Variant Classification Sherloc (09022015). Collection method: clinical testing. Allele origin: germline.
Comment: This sequence change replaces valine, which is neutral and non-polar, with phenylalanine, which is neutral and non-polar, at codon 525 of the KIF1C protein (p.Val525Phe). This variant is not present in population databases (gnomAD no frequency). This variant has not been reported in the literature in individuals affected with KIF1C-related conditions. An algorithm developed to predict the effect of missense changes on protein structure and function (PolyPhen-2) suggests that this variant is likely to be tolerated. In summary, the available evidence is currently insufficient to determine the role of this variant in disease. Therefore, it has been classified as a Variant of Uncertain Significance.

NM_006612.6(KIF1C):c.1573G>T (p.Val525Phe)

Gene: KIF1C (kinesin family member 1C; plus strand). Cytogenetic location: 17p13.2.
Variant type: single nucleotide variant.
Coding change: c.1573G>T on transcript NM_006612.6 (MANE Select); coding-DNA position 1573, G replaced by T.
Protein change: p.Val525Phe; replaces valine 525 with phenylalanine.
Molecular consequence: missense variant.
Genome position (GRCh38, 1-based): chr17:5,014,744, G>T. VCF-style: chr17-5014744-G-T. GRCh37 (hg19) VCF-style: chr17-4918039-G-T.
Other names: short protein forms V525F.
Identifiers: ClinVar variation 4805499 (VCV004805499.1).